The following is an entry in ClinVar:

NM_001142864.4(PIEZO1):c.5314C>G (p.Arg1772Gly)

Gene: PIEZO1 (piezo type mechanosensitive ion channel component 1 (Er blood group); minus strand). Cytogenetic location: 16q24.3.
Variant type: single nucleotide variant.
Coding change: c.5314C>G on transcript NM_001142864.4 (MANE Select); coding-DNA position 5314, C replaced by G.
Protein change: p.Arg1772Gly; replaces arginine 1772 with glycine.
Molecular consequence: missense variant.
Genome position (GRCh38, 1-based): chr16:88,721,627, G>C on the plus strand (C>G on the coding strand, the complement: PIEZO1 is on the minus strand). VCF-style: chr16-88721627-G-C. GRCh37 (hg19) VCF-style: chr16-88788035-G-C.
Other names: c.5314C>G (NM_001142864.2, NM_001142864.3); short protein forms R1772G.
Identifiers: ClinVar variation 4079579 (VCV004079579.3).

ClinVar aggregate classification (germline): Uncertain significance. Review status: criteria provided, multiple submitters, no conflicts (2 of 4 stars). 3 submissions from 3 submitters: Uncertain significance (3). Last evaluated 2026-05-19.

Conditions:
Inborn genetic diseases. Identifiers: MedGen C0950123, MeSH D030342.
PIEZO1-related disorder. Also called: PIEZO1-related condition; PIEZO1-Related Disorders.

gnomAD v4.1: 33 of 1,550,114 alleles (0.0021%); highest among the groups gnomAD compares: Admixed American, 0.0059%; no homozygotes.

Submissions (3):

PreventionGenetics, part of Exact Sciences
Classification: Uncertain significance for PIEZO1-related condition. Last evaluated: 2026-05-19. Review status: criteria provided, single submitter. Criteria: ACMG Guidelines, 2015. Collection method: clinical testing. Allele origin: germline.
Comment: The PIEZO1 c.5314C>G variant is predicted to result in the amino acid substitution p.Arg1772Gly. To our knowledge, this variant has not been reported in the literature. This variant is reported in 0.0039% of alleles in individuals of Latino descent in gnomAD. At this time, the clinical significance of this variant is uncertain due to the absence of conclusive functional and genetic evidence.

Ambry Genetics
Classification: Uncertain significance for Inborn genetic diseases. Last evaluated: 2025-11-25. Review status: criteria provided, single submitter. Criteria: Ambry Variant Classification Scheme 2023. Collection method: clinical testing. Allele origin: germline.

Revvity Omics, Revvity
Classification: Uncertain significance. Last evaluated: 2023-11-09. Review status: criteria provided, single submitter. Criteria: ACMG Guidelines, 2015. Collection method: clinical testing. Allele origin: germline.